The following is an entry in ClinVar:

ClinVar aggregate classification (germline): Uncertain significance (1 of 4 stars; one submission).

Submission:

Labcorp Genetics (formerly Invitae), Labcorp
Classification: Uncertain significance. Last evaluated: 2023-09-28. Review status: criteria provided, single submitter. Criteria: Invitae Variant Classification Sherloc (09022015). Collection method: clinical testing. Allele origin: germline.
Comment: In summary, the available evidence is currently insufficient to determine the role of this variant in disease. Therefore, it has been classified as a Variant of Uncertain Significance. ClinVar contains an entry for this variant (Variation ID: 1485904). This variant has not been reported in the literature in individuals affected with GUF1-related conditions. This variant is not present in population databases (gnomAD no frequency). This sequence change creates a premature translational stop signal (p.Asn370Argfs*7) in the GUF1 gene. It is expected to result in an absent or disrupted protein product. However, the current clinical and genetic evidence is not sufficient to establish whether loss-of-function variants in GUF1 cause disease.

NM_021927.3(GUF1):c.1109_1128del (p.Asn370fs)

Gene: GUF1 (GTP binding elongation factor GUF1; plus strand). Cytogenetic location: 4p12.
Variant type: Deletion.
Coding change: c.1109_1128del on transcript NM_021927.3 (MANE Select); coding-DNA positions 1109 to 1128, 20 bases deleted (ACAATCTGAAGAGTGCTATA).
Protein change: p.Asn370fs; shifts the reading frame from asparagine 370.
Molecular consequence: frameshift variant.
Genome position (GRCh38, 1-based): chr4:44,689,316-44,689,335, ACAATCTGAAGAGTGCTATA deleted; deleting any 20 consecutive bases within chr4:44,689,312-44,689,335 gives the same sequence; the c. name uses the placement nearest the transcript's 3' end. VCF-style (leftmost placement, unchanged base first): chr4-44689311-ATATAACAATCTGAAGAGTGC-A. GRCh37 (hg19) VCF-style: chr4-44691328-ATATAACAATCTGAAGAGTGC-A.
Other names: c.137_156del, p.Asn46fs (NM_001345867.2, NM_001345869.2); c.1109_1128del, p.Asn370fs (NM_001345868.2); short protein forms N370fs, N46fs.
Identifiers: ClinVar variation 1485904 (VCV001485904.6), dbSNP rs2109651227, ClinGen allele CA2573137733.